The following is an entry in ClinVar:

ClinVar aggregate classification (germline): Benign/Likely benign. Review status: criteria provided, multiple submitters, no conflicts (2 of 4 stars). 26 submissions from 19 submitters: Benign (19); Likely benign (3). 4 of the submissions do not count toward it. Last evaluated 2026-02-03.

Conditions:
Cardiovascular phenotype. Identifiers: MedGen CN230736.
Dilated cardiomyopathy 1G (CMD1G). Identifiers: Orphanet 154, MedGen C1858763, MONDO:0011400, OMIM 604145.
Autosomal recessive limb-girdle muscular dystrophy type 2J (LGMDR10). Also called: Limb-girdle muscular dystrophy, type 2J; MUSCULAR DYSTROPHY, LIMB-GIRDLE, AUTOSOMAL RECESSIVE 10. Identifiers: Orphanet 140922, MedGen C1837342, MONDO:0012127, OMIM 608807.
Cardiomyopathy (CMYO). Also called: Cardiomyopathies. Identifiers: Orphanet 167848, MedGen C0878544, MONDO:0004994, HP:0001638. Inheritance: Various modes of inheritance.
Early-onset myopathy with fatal cardiomyopathy (CMYO5). Also called: CONGENITAL MYOPATHY 5 WITH CARDIOMYOPATHY; Salih Myopathy. Identifiers: Orphanet 289377, MedGen C2673677, MONDO:0012714, OMIM 611705. Disease mechanism: loss of function.
Myopathy, myofibrillar, 9, with early respiratory failure (MFM9). Also called: MYOPATHY, PROXIMAL, WITH EARLY RESPIRATORY MUSCLE INVOLVEMENT; Myopathy, distal, with early respiratory failure, autosomal dominant; Hereditary myopathy with early respiratory failure; EDSTROM MYOPATHY. Identifiers: Orphanet 178464, Orphanet 34521, MedGen C1863599, MONDO:0011362, OMIM 603689.
Tibial muscular dystrophy (TMD). Also called: Tibial muscular dystrophy, tardive; UDD MYOPATHY; Udd Distal Myopathy – Tibial Muscular Dystrophy. Identifiers: Orphanet 609, MedGen C1838244, MONDO:0010870, OMIM 600334.

Allele frequency attached by ClinVar (database versions not stated): gnomAD exomes 0.00140 and 0.00366; ExAC 0.00433; 1000 Genomes Project 0.01238; 1000 Genomes Project 30x 0.01296; gnomAD 0.01516 and 0.01633; ESP Exome Variant Server 0.01539; TOPMed 0.01612.

Submissions (26):

Labcorp Genetics (formerly Invitae), Labcorp
Classification: Benign for Dilated cardiomyopathy 1G; Autosomal recessive limb-girdle muscular dystrophy type 2J. Last evaluated: 2026-02-03. Review status: criteria provided, single submitter. Criteria: Invitae Variant Classification Sherloc (09022015). Collection method: clinical testing. Allele origin: germline.

ARUP Laboratories, Molecular Genetics and Genomics, ARUP Laboratories
Classification: Benign. Last evaluated: 2025-05-14. Review status: criteria provided, single submitter. Criteria: ARUP Molecular Germline Variant Investigation Process 2024. Collection method: clinical testing. Allele origin: germline.

Molecular Diagnostic Laboratory for Inherited Cardiovascular Disease, Montreal Heart Institute
Classification: Benign. Last evaluated: 2025-04-09. Review status: criteria provided, single submitter. Criteria: ACMG Guidelines, 2015. Collection method: clinical testing. Allele origin: germline. Affected: no.

Athena Diagnostics
Classification: Benign. Last evaluated: 2024-10-31. Review status: criteria provided, single submitter. Criteria: Athena Diagnostics Criteria. Collection method: clinical testing. Allele origin: unknown.

Genome-Nilou Lab
Classification: Benign for Autosomal recessive limb-girdle muscular dystrophy type 2J. Last evaluated: 2021-09-10. Review status: criteria provided, single submitter. Criteria: ACMG Guidelines, 2015. Collection method: clinical testing. Allele origin: germline. Affected: no.

Genome-Nilou Lab
Classification: Benign for Myopathy, myofibrillar, 9, with early respiratory failure. Last evaluated: 2021-09-10. Review status: criteria provided, single submitter. Criteria: ACMG Guidelines, 2015. Collection method: clinical testing. Allele origin: germline. Affected: no.

Genome-Nilou Lab
Classification: Benign for Early-onset myopathy with fatal cardiomyopathy. Last evaluated: 2021-09-10. Review status: criteria provided, single submitter. Criteria: ACMG Guidelines, 2015. Collection method: clinical testing. Allele origin: germline. Affected: no.

Genome-Nilou Lab
Classification: Benign for Tibial muscular dystrophy. Last evaluated: 2021-09-10. Review status: criteria provided, single submitter. Criteria: ACMG Guidelines, 2015. Collection method: clinical testing. Allele origin: germline. Affected: no.

Women's Health and Genetics/Laboratory Corporation of America, LabCorp
Classification: Likely benign. Last evaluated: 2020-05-10. Review status: criteria provided, single submitter. Criteria: LabCorp Variant Classification Summary - May 2015. Collection method: clinical testing. Allele origin: germline.

Mayo Clinic Laboratories, Mayo Clinic
Classification: Benign. Last evaluated: 2019-07-25. Review status: criteria provided, single submitter. Criteria: ACMG Guidelines, 2015. Collection method: clinical testing. Allele origin: germline. Observed: 20 variant alleles.

Illumina Laboratory Services, Illumina
Classification: Benign for Autosomal recessive limb-girdle muscular dystrophy type 2J. Last evaluated: 2018-01-12. Review status: criteria provided, single submitter. Criteria: ICSL Variant Classification Criteria 13 December 2019. Collection method: clinical testing. Allele origin: germline.
Comment: This variant was observed in the ICSL laboratory as part of a predisposition screen in an ostensibly healthy population. It had not been previously curated by ICSL or reported in the Human Gene Mutation Database (HGMD: prior to June 1st, 2018), and was therefore a candidate for classification through an automated scoring system. Utilizing variant allele frequency, disease prevalence and penetrance estimates, and inheritance mode, an automated score was calculated to assess if this variant is too frequent to cause the disease. Based on the score and internal cut-off values, a variant classified as benign is not then subjected to further curation. The score for this variant resulted in a classification of benign for this disease.

Illumina Laboratory Services, Illumina
Classification: Likely benign for Dilated cardiomyopathy 1G. Last evaluated: 2018-01-12. Review status: criteria provided, single submitter. Criteria: ICSL Variant Classification Criteria 13 December 2019. Collection method: clinical testing. Allele origin: germline.
Comment: This variant was observed in the ICSL laboratory as part of a predisposition screen in an ostensibly healthy population. It had not been previously curated by ICSL or reported in the Human Gene Mutation Database (HGMD: prior to June 1st, 2018), and was therefore a candidate for classification through an automated scoring system. Utilizing variant allele frequency, disease prevalence and penetrance estimates, and inheritance mode, an automated score was calculated to assess if this variant is too frequent to cause the disease. Based on the score and internal cut-off values, a variant classified as likely benign is not then subjected to further curation. The score for this variant resulted in a classification of likely benign for this disease.

Illumina Laboratory Services, Illumina
Classification: Benign for Tibial muscular dystrophy. Last evaluated: 2018-01-12. Review status: criteria provided, single submitter. Criteria: ICSL Variant Classification Criteria 13 December 2019. Collection method: clinical testing. Allele origin: germline.
Comment: the same text as in the submission from Illumina Laboratory Services, Illumina above.

Illumina Laboratory Services, Illumina
Classification: Benign for Early-onset myopathy with fatal cardiomyopathy. Last evaluated: 2018-01-12. Review status: criteria provided, single submitter. Criteria: ICSL Variant Classification Criteria 13 December 2019. Collection method: clinical testing. Allele origin: germline.
Comment: the same text as in the submission from Illumina Laboratory Services, Illumina above.

Illumina Laboratory Services, Illumina
Classification: Benign for Myopathy, myofibrillar, 9, with early respiratory failure. Last evaluated: 2018-01-12. Review status: criteria provided, single submitter. Criteria: ICSL Variant Classification Criteria 13 December 2019. Collection method: clinical testing. Allele origin: germline.
Comment: the same text as in the submission from Illumina Laboratory Services, Illumina above.

CHEO Genetics Diagnostic Laboratory, Children's Hospital of Eastern Ontario
Classification: Benign for Cardiomyopathy. Last evaluated: 2015-10-21. Review status: criteria provided, single submitter. Criteria: ACMG Guidelines, 2015. Collection method: clinical testing. Allele origin: germline. Study: Canadian Open Genetics Repository.

GeneDx
Classification: Benign. Last evaluated: 2014-04-20. Review status: criteria provided, single submitter. Criteria: GeneDx Variant Classification (06012015). Collection method: clinical testing. Allele origin: germline. Affected: yes.
Comment: This variant is considered likely benign or benign based on one or more of the following criteria: it is a conservative change, it occurs at a poorly conserved position in the protein, it is predicted to be benign by multiple in silico algorithms, and/or has population frequency not consistent with disease.

Biesecker Lab/Clinical Genomics Section, National Institutes of Health
Classification: Benign. Last evaluated: 2013-06-24. Review status: criteria provided, single submitter. Criteria: Ng et al. (Circ Cardiovasc Genet. 2013). Collection method: research. Allele origin: unknown. Observed: 6 variant alleles. Study: ClinSeq.
Comment: The study set was not selected for affection status in relation to any cancer. Pathogenicity categories were based on literature curation. See Pubmed ID:23861362 for details.

Medical sequencing

Ambry Genetics
Classification: Benign for Cardiovascular phenotype. Last evaluated: 2012-11-05. Review status: criteria provided, single submitter. Criteria: Ambry Autosomal Dominant and X-Linked criteria (10/2015). Collection method: clinical testing. Allele origin: germline. Observed: 1 variant allele.

Laboratory for Molecular Medicine, Mass General Brigham Personalized Medicine
Classification: Benign. Last evaluated: 2012-08-15. Review status: criteria provided, single submitter. Criteria: LMM Criteria. Collection method: clinical testing. Allele origin: germline. Observed: 27 variant alleles.
Comment: 4.9% (180/3700) of Afr Amer chrom in ESP

Breakthrough Genomics
Classification: Likely benign. Review status: criteria provided, single submitter. Criteria: ACMG Guidelines, 2015. Collection method: not provided. Allele origin: germline. Inheritance: Autosomal recessive inheritance. Affected: yes.

PreventionGenetics, part of Exact Sciences
Classification: Benign. Review status: criteria provided, single submitter. Criteria: ACMG Guidelines, 2015. Collection method: clinical testing. Allele origin: germline.

Clinical Genetics DNA and cytogenetics Diagnostics Lab, Erasmus MC, Erasmus Medical Center
Classification: Benign. Review status: no assertion criteria provided. Collection method: clinical testing. Allele origin: germline. Affected: yes. Study: VKGL Data-share Consensus. Not counted in ClinVar's aggregate classification.

Clinical Genetics, Academic Medical Center
Classification: Benign. Review status: no assertion criteria provided. Collection method: clinical testing. Allele origin: germline. Affected: yes. Study: VKGL Data-share Consensus. Not counted in ClinVar's aggregate classification.

Diagnostic Laboratory, Department of Genetics, University Medical Center Groningen
Classification: Likely benign. Review status: no assertion criteria provided. Collection method: clinical testing. Allele origin: germline. Affected: yes. Study: VKGL Data-share Consensus. Not counted in ClinVar's aggregate classification.

Joint Genome Diagnostic Labs from Nijmegen and Maastricht, Radboudumc and MUMC+
Classification: Benign. Review status: no assertion criteria provided. Collection method: clinical testing. Allele origin: germline. Affected: yes. Study: VKGL Data-share Consensus. Not counted in ClinVar's aggregate classification.

NM_001267550.2(TTN):c.101803A>G (p.Ile33935Val)

Genes: TTN (titin; minus strand), TTN-AS1 (TTN antisense RNA 1; plus strand). Cytogenetic location: 2q31.2.
Variant type: single nucleotide variant.
Coding change: c.101803A>G on transcript NM_001267550.2 (MANE Select); coding-DNA position 101803, A replaced by G.
Protein change: p.Ile33935Val; replaces isoleucine 33935 with valine.
Molecular consequence: missense variant.
Genome position (GRCh38, 1-based): chr2:178,534,812, T>C on the plus strand (A>G on the coding strand, the complement: TTN is on the minus strand). VCF-style: chr2-178534812-T-C. GRCh37 (hg19) VCF-style: chr2-179399539-T-C.
Other names: p.I32294V:ATT>GTT; c.96880A>G, p.Ile32294Val (NM_001256850.1); c.94099A>G, p.Ile31367Val (NM_133378.4); c.74608A>G, p.Ile24870Val (NM_003319.4); c.74983A>G, p.Ile24995Val (NM_133432.3); c.75184A>G, p.Ile25062Val (NM_133437.4); short protein forms I33935V, I31367V, I32294V, I24870V, I24995V, I25062V.
Identifiers: ClinVar variation 47642 (VCV000047642.50), dbSNP rs56376197, ClinGen allele CA284247.